The following is an entry in ClinVar:

NM_000059.4(BRCA2):c.4648G>C (p.Glu1550Gln)

Gene: BRCA2 (BRCA2 DNA repair associated; plus strand). Cytogenetic location: 13q13.1.
Variant type: single nucleotide variant.
Coding change: c.4648G>C on transcript NM_000059.4 (MANE Select); coding-DNA position 4648, G replaced by C.
Protein change: p.Glu1550Gln; replaces glutamic acid 1550 with glutamine.
Molecular consequence: missense variant.
Genome position (GRCh38, 1-based): chr13:32,339,003, G>C. VCF-style: chr13-32339003-G-C. GRCh37 (hg19) VCF-style: chr13-32913140-G-C.
Other names: short protein forms E1550Q.
Identifiers: ClinVar variation 225743 (VCV000225743.16), dbSNP rs80358695, ClinGen allele CA6940803.

ClinVar aggregate classification (germline): Conflicting classifications of pathogenicity. Review status: criteria provided, conflicting classifications (1 of 4 stars). 6 submissions from 6 submitters: Uncertain significance (5); Likely benign (1). Last evaluated 2024-02-20.

Conditions:
Hereditary cancer-predisposing syndrome. Also called: Tumor predisposition; Neoplastic Syndromes, Hereditary; Hereditary neoplastic syndrome; Hereditary Cancer Syndrome. Identifiers: Orphanet 140162, MedGen C0027672, MeSH D009386, MONDO:0015356.
Breast-ovarian cancer, familial, susceptibility to, 2 (BROVCA2). Also called: BRCA2 Hereditary Breast and Ovarian Cancer. Identifiers: Orphanet 145, MedGen C2675520, MONDO:0012933, OMIM 612555. Disease mechanism: loss of function.
Hereditary breast ovarian cancer syndrome. Also called: Hereditary breast and/or ovarian cancer syndrome; Hereditary breast and ovarian cancer syndrome (HBOC); Breast and ovarian cancer; Hereditary breast and ovarian cancer; BRCA1- and BRCA2-Associated Hereditary Breast and Ovarian Cancer; Hereditary breast and ovarian cancer syndrome. Identifiers: Orphanet 145, MedGen C0677776, MeSH D061325, MONDO:0003582. Disease mechanism: loss of function.

Allele frequency attached by ClinVar (database versions not stated): gnomAD exomes below 0.00001; ExAC 0.00001.
gnomAD v4.1: 6 of 1,613,676 alleles (0.00037%); highest among the groups gnomAD compares: Non-Finnish European, 0.00051%; no homozygotes.

Submissions (6):

Ambry Genetics
Classification: Uncertain significance for Hereditary cancer-predisposing syndrome. Last evaluated: 2024-02-20. Review status: criteria provided, single submitter. Criteria: Ambry Variant Classification Scheme 2023. Collection method: clinical testing. Allele origin: germline.
Comment: The p.E1550Q variant (also known as c.4648G>C), located in coding exon 10 of the BRCA2 gene, results from a G to C substitution at nucleotide position 4648. The glutamic acid at codon 1550 is replaced by glutamine, an amino acid with highly similar properties. This amino acid position is poorly conserved in available vertebrate species. In addition, this alteration is predicted to be tolerated by in silico analysis. Since supporting evidence is limited at this time, the clinical significance of this alteration remains unclear.

All of Us Research Program, National Institutes of Health
Classification: Uncertain significance for Breast-ovarian cancer, familial, susceptibility to, 2. Last evaluated: 2023-08-28. Review status: criteria provided, single submitter. Criteria: ACMG Guidelines, 2015. Collection method: clinical testing. Allele origin: germline. Inheritance: Autosomal dominant inheritance. Observed: 2 variant alleles, 2 heterozygotes.
Comment: This missense variant replaces glutamic acid with glutamine at codon 1550 of the BRCA2 protein. Computational prediction suggests that this variant may not impact protein structure and function (internally defined REVEL score threshold <= 0.5, PMID: 27666373). To our knowledge, functional studies have not been reported for this variant. This variant has been reported in a multifactorial analysis with family history and co-occurrence likelihood ratios of 1.0155 and 1.049, respectively (PMID: 31131967). This variant has been identified in 1/250612 chromosomes in the general population by the Genome Aggregation Database (gnomAD). The available evidence is insufficient to determine the role of this variant in disease conclusively. Therefore, this variant is classified as a Variant of Uncertain Significance.

This study involves interpretation of variants in research participants for the purpose of population health screening. Participant phenotype was not available at the time of variant classification. Additional details can be found in publication PMID: 35346344, PMCID: PMC8962531

University of Washington Department of Laboratory Medicine, University of Washington
Classification: Likely benign for Hereditary cancer-predisposing syndrome. Last evaluated: 2023-03-23. Review status: criteria provided, single submitter. Criteria: Dines et al. (Genet Med. 2020). Collection method: curation. Allele origin: germline.
Comment: Missense variant in a coldspot region where missense variants are very unlikely to be pathogenic (PMID:31911673).

BRCA2 exon 11 coldspot. Reclassification based on statistical prior probability.

Labcorp Genetics (formerly Invitae), Labcorp
Classification: Uncertain significance for Hereditary breast ovarian cancer syndrome. Last evaluated: 2021-10-28. Review status: criteria provided, single submitter. Criteria: Invitae Variant Classification Sherloc (09022015). Collection method: clinical testing. Allele origin: germline.
Comment: In summary, the available evidence is currently insufficient to determine the role of this variant in disease. Therefore, it has been classified as a Variant of Uncertain Significance. Advanced modeling of protein sequence and biophysical properties (such as structural, functional, and spatial information, amino acid conservation, physicochemical variation, residue mobility, and thermodynamic stability) performed at Invitae indicates that this missense variant is not expected to disrupt BRCA2 protein function. ClinVar contains an entry for this variant (Variation ID: 225743). This missense change has been observed in individual(s) with clinical features of BRCA2-related conditions (PMID: 21520333). This variant is present in population databases (rs80358695, gnomAD 0.0009%). This sequence change replaces glutamic acid, which is acidic and polar, with glutamine, which is neutral and polar, at codon 1550 of the BRCA2 protein (p.Glu1550Gln).

Department of Pathology and Molecular Medicine, Queen's University
Classification: Uncertain significance. Last evaluated: 2017-04-20. Review status: criteria provided, single submitter. Criteria: ACMG Guidelines, 2015. Collection method: clinical testing. Allele origin: germline. Study: The Canadian Open Genetics Repository (COGR).

Molecular Genetics Laboratory, University of Michigan
Classification: Uncertain significance for Breast-ovarian cancer, familial, susceptibility to, 2. Last evaluated: 2016-04-21. Review status: criteria provided, single submitter. Criteria: ACMG Guidelines, 2015. Collection method: clinical testing. Allele origin: germline. Affected: yes.

Literature cited by the submitters: PubMed 31131967 (cited by All of Us Research Program, National Institutes of Health); PubMed 21520333 (cited by Labcorp Genetics (formerly Invitae), Labcorp).